The following is an entry in ClinVar:

NM_000284.4(PDHA1):c.380G>A (p.Arg127Gln)

Gene: PDHA1 (pyruvate dehydrogenase E1 subunit alpha 1; plus strand). Cytogenetic location: Xp22.12.
Variant type: single nucleotide variant.
Coding change: c.380G>A on transcript NM_000284.4 (MANE Select); coding-DNA position 380, G replaced by A.
Protein change: p.Arg127Gln; replaces arginine 127 with glutamine.
Molecular consequence: missense variant.
Genome position (GRCh38, 1-based): chrX:19,351,369, G>A. VCF-style: chrX-19351369-G-A. GRCh37 (hg19) VCF-style: chrX-19369487-G-A.
Other names: c.494G>A, p.Arg165Gln (NM_001173454.2); c.401G>A, p.Arg134Gln (NM_001173455.2); c.380G>A, p.Arg127Gln (NM_001173456.2); c.380G>A (NM_000284.3); short protein forms R127Q, R134Q, R165Q.
Identifiers: ClinVar variation 871395 (VCV000871395.45), dbSNP rs2063162114, ClinGen allele CA412391206.

ClinVar aggregate classification (germline): Pathogenic/Likely pathogenic. Review status: criteria provided, multiple submitters, no conflicts (2 of 4 stars). 5 submissions from 5 submitters: Pathogenic (2); Likely pathogenic (1). 2 of the submissions do not count toward it. Last evaluated 2025-04-17.

Conditions:
Pyruvate dehydrogenase E1-alpha deficiency (PDHAD). Also called: ATAXIA, INTERMITTENT, WITH PYRUVATE DEHYDROGENASE DEFICIENCY; ATAXIA WITH LACTIC ACIDOSIS I; ATAXIA, INTERMITTENT, WITH ABNORMAL PYRUVATE METABOLISM; Ataxia, intermittent, with pyruvate dehydrogenase, or decarboxylase, deficiency. Identifiers: Orphanet 79243, MedGen C1839413, MONDO:0010717, OMIM 312170.

Submissions (6):

Variantyx, Inc.
Classification: Likely pathogenic for Pyruvate dehydrogenase E1-alpha deficiency. Last evaluated: 2025-04-17. Review status: criteria provided, single submitter. Criteria: Variantyx Assertion Criteria 2022. Collection method: clinical testing. Allele origin: maternal. Inheritance: X-linked dominant inheritance. Affected: yes.
Comment: This is a nonsynonymous variant in the PDHA1 gene (OMIM: 300502). Pathogenic variants in this gene have been associated with X-linked pyruvate dehydrogenase E1-alpha deficiency. This variant has been reported in several unrelated affected individuals (PMID: 32827528, 33204598, 10679936, 26968897) and has been observed to segregate with disease in at least 3 individuals from one family (PMID: 38497591) (PP1). An alternate amino acid change at this position (p.Arg127Trp) has been previously reported in similarly affected individuals, which suggests that this residue is biologically important (PMID: 8024267, 10679936) (PM5). Multiple computational algorithms predict a deleterious effect for this variant (REVEL score: 0.887) (PP3). This variant is absent from control populations (PM2_Moderate). Based on the current evidence, this variant is classified as likely pathogenic for X-linked pyruvate dehydrogenase E1-alpha deficiency.

Mendelics
Classification: Pathogenic for Pyruvate dehydrogenase E1-alpha deficiency. Last evaluated: 2022-05-04. Review status: criteria provided, single submitter. Criteria: Mendelics Assertion Criteria 2019. Collection method: clinical testing. Allele origin: germline.

CeGaT Center for Human Genetics Tuebingen
Classification: Pathogenic. Last evaluated: 2018-08-01. Review status: criteria provided, single submitter. Criteria: CeGaT Center For Human Genetics Tuebingen Variant Classification Criteria Version 2. Collection method: clinical testing. Allele origin: germline. Affected: yes. Observed: 1 variant allele.

PDHA1 Study Group, University Children’s Hospital, Paracelsus Medical University
Classification: Pathogenic for Pyruvate dehydrogenase E1-alpha deficiency. Last evaluated: 2024-10-15. Review status: no assertion criteria provided. Collection method: research. Allele origin: de novo. Affected: yes. Observed: 12 variant alleles. Not counted in ClinVar's aggregate classification.
Comment: The NM_000284.3:c.380G>A (p.Arg127Gln) substitution is a missense variant in the PDHA1 gene. This variant is absent or extremely rare in population-based cohorts in the Genome Aggregation Database (gnomAD). In total, 12 individuals diagnosed with PDHA1-related pyruvate dehydrogenase complex (PDHc) deficiency (MIM #312170) harbor this variant, including 2 males and 10 females. Among these, 4 cases have confirmed de novo occurrence, and 2 are confirmed inherited. The variant is reported in 8 published cases (PMIDs: 10679936, 21914562, 28918066, 38497591, 20002461, 23021068), with an additional 4 unpublished cases from internal data. The last literature search is conducted on July 12, 2024. Individuals present with clinical features compatible with PDHA1-related PDHc deficiency. Based on the ACMG/AMP criteria applied (PS3, PM1, PM2, PM7, PP3), this variant is classified as pathogenic (P) (last assessment October 15, 2024).

Dr. Peter K. Rogan Lab, Western University
No classification provided (evidence only). Condition: Thyroid cancer, nonmedullary, 1. Review status: no classification provided. Collection method: in vitro. Allele origin: not applicable. Functional consequence: retained intron. Not counted in ClinVar's aggregate classification.

Genomics England Pilot Project, Genomics England
Classification: Pathogenic for Pyruvate dehydrogenase E1-alpha deficiency. Review status: no assertion criteria provided. Criteria: ACGS Guidelines, 2016. Collection method: clinical testing. Allele origin: germline. Affected: yes. Not counted in ClinVar's aggregate classification.

Literature cited by the submitters: PubMed 38497591 (cited by Variantyx, Inc. and PDHA1 Study Group, University Children’s Hospital, Paracelsus Medical University); PubMed 32827528 (cited by Variantyx, Inc.); PubMed 33204598 (cited by Variantyx, Inc.); PubMed 10679936 (cited by Variantyx, Inc. and PDHA1 Study Group, University Children’s Hospital, Paracelsus Medical University); PubMed 26968897 (cited by Variantyx, Inc.); PubMed 8024267 (cited by Variantyx, Inc.); PubMed 21914562 (cited by PDHA1 Study Group, University Children’s Hospital, Paracelsus Medical University); PubMed 28918066 (cited by PDHA1 Study Group, University Children’s Hospital, Paracelsus Medical University); PubMed 20002461 (cited by PDHA1 Study Group, University Children’s Hospital, Paracelsus Medical University); PubMed 23021068 (cited by PDHA1 Study Group, University Children’s Hospital, Paracelsus Medical University); DOI 10.1093/brain/awaf430 (cited by PDHA1 Study Group, University Children’s Hospital, Paracelsus Medical University).